The following is an entry in ClinVar:

NM_001458.5(FLNC):c.6957del (p.Gly2320fs)

Genes: FLNC (filamin C; plus strand), FLNC-AS1 (FLNC antisense RNA 1; minus strand). Cytogenetic location: 7q32.1.
Variant type: Deletion.
Coding change: c.6957del on transcript NM_001458.5 (MANE Select); coding-DNA position 6957, one base deleted (C; older notation c.6957delC).
Protein change: p.Gly2320fs; shifts the reading frame from glycine 2320.
Molecular consequence: frameshift variant.
Genome position (GRCh38, 1-based): chr7:128,854,642, C deleted; the last of 2 consecutive C bases (chr7:128,854,641-128,854,642); deleting either gives the same sequence. VCF-style (leftmost placement, unchanged base first): chr7-128854640-GC-G. GRCh37 (hg19) VCF-style: chr7-128494694-GC-G.
Other names: c.6858del, p.Gly2287fs (NM_001127487.2); short protein forms G2287fs, G2320fs.
Identifiers: ClinVar variation 2078323 (VCV002078323.4), dbSNP rs2536665417, ClinGen allele CA2580076540.

ClinVar aggregate classification (germline): Pathogenic (1 of 4 stars; one submission).

Conditions:
Distal myopathy with posterior leg and anterior hand involvement. Also called: WILLIAMS DISTAL MYOPATHY. Identifiers: Orphanet 63273, MedGen C3279722, MONDO:0013550, OMIM 614065.
Myofibrillar myopathy 5. Also called: Filaminopathy (type); FILAMINOPATHY, AUTOSOMAL DOMINANT. Identifiers: Orphanet 171445, MedGen C1836050, MONDO:0012289, OMIM 609524.
Hypertrophic cardiomyopathy 26. Also called: Cardiomyopathy, familial hypertrophic, 26. Identifiers: Orphanet 75249, MedGen C4310749, MONDO:0014883, OMIM 617047.

Submission:

Labcorp Genetics (formerly Invitae), Labcorp
Classification: Pathogenic for Distal myopathy with posterior leg and anterior hand involvement; Myofibrillar myopathy 5; Hypertrophic cardiomyopathy 26. Last evaluated: 2022-01-11. Review status: criteria provided, single submitter. Criteria: Invitae Variant Classification Sherloc (09022015). Collection method: clinical testing. Allele origin: germline.
Comment: For these reasons, this variant has been classified as Pathogenic. This variant has not been reported in the literature in individuals affected with FLNC-related conditions. This variant is not present in population databases (gnomAD no frequency). This sequence change creates a premature translational stop signal (p.Gly2320Glufs*104) in the FLNC gene. It is expected to result in an absent or disrupted protein product. Loss-of-function variants in FLNC are known to be pathogenic (PMID: 27908349).

Literature cited by the submitters: PubMed 27908349.